The following is an entry in ClinVar:

ClinVar aggregate classification (germline): Uncertain significance (1 of 4 stars; one submission).

Conditions:
Cardiovascular phenotype. Identifiers: MedGen CN230736.

Submission:

Ambry Genetics
Classification: Uncertain significance for Cardiovascular phenotype. Last evaluated: 2025-10-05. Review status: criteria provided, single submitter. Criteria: Ambry Variant Classification Scheme 2023. Collection method: clinical testing. Allele origin: germline.
Comment: The p.G2905A variant (also known as c.8714G>C), located in coding exon 2 of the ZNF469 gene, results from a G to C substitution at nucleotide position 8714. The glycine at codon 2905 is replaced by alanine, an amino acid with similar properties. This amino acid position is conserved. In addition, this alteration is predicted to be tolerated by in silico analysis. Based on the available evidence, the clinical significance of this variant remains unclear.

NM_001127464.1:c.8714G>C

Gene: ZNF469 (zinc finger protein 469; plus strand).
Variant type: single nucleotide variant.
Identifiers: ClinVar variation 4615454 (VCV004615454.1).